The following is an entry in ClinVar:

ClinVar aggregate classification (germline): Pathogenic/Likely pathogenic. Review status: criteria provided, multiple submitters, no conflicts (2 of 4 stars). 6 submissions from 6 submitters: Pathogenic (4); Likely pathogenic (2). Last evaluated 2025-11-10.

Conditions:
Hereditary nonpolyposis colon cancer (HNPCC). Also called: Hereditary Nonpolyposis Colorectal Cancer Syndrome; Hereditary nonpolyposis colorectal cancer; Familial nonpolyposis colon cancer. Identifiers: Orphanet 443909, MedGen C1333990, MONDO:0018630. Disease mechanism: loss of function.
Hereditary nonpolyposis colorectal neoplasms. Identifiers: MedGen C0009405, MeSH D003123.
Hereditary cancer-predisposing syndrome. Also called: Tumor predisposition; Neoplastic Syndromes, Hereditary; Hereditary neoplastic syndrome; Hereditary Cancer Syndrome. Identifiers: Orphanet 140162, MedGen C0027672, MeSH D009386, MONDO:0015356.
Lynch syndrome 4 (LYNCH4). Also called: Hereditary non-polyposis colorectal cancer, type 4; Colorectal cancer, hereditary nonpolyposis, type 4. Identifiers: Orphanet 144, MedGen C1838333, MONDO:0013699, OMIM 614337. Disease mechanism: loss of function.

Submissions (6):

Women's Health and Genetics/Laboratory Corporation of America, LabCorp
Classification: Pathogenic for Hereditary nonpolyposis colon cancer. Last evaluated: 2025-11-10. Review status: criteria provided, single submitter. Criteria: LabCorp Variant Classification Summary - May 2015. Collection method: clinical testing. Allele origin: germline.
Comment: Variant summary: PMS2 c.873delT (p.Phe291LeufsX16) results in a premature termination codon, predicted to cause a truncation of the encoded protein or absence of the protein due to nonsense mediated decay, which are commonly known mechanisms for disease. The variant allele was found at a frequency of 4e-06 in 251420 control chromosomes. c.873delT has been observed in at least 1 individual(s) undergoing genetic testing for cancer genes (example, eMERGE_2019). The following publication has been ascertained in the context of this evaluation (PMID: 31447099). ClinVar contains an entry for this variant (Variation ID: 585225). Based on the evidence outlined above, the variant was classified as pathogenic.

Mayo Clinic Laboratories, Mayo Clinic
Classification: Likely pathogenic. Last evaluated: 2025-10-17. Review status: criteria provided, single submitter. Criteria: ACMG Guidelines, 2015. Collection method: clinical testing. Allele origin: germline. Observed: 1 variant allele.
Comment: PM2_supporting, PVS1

Ambry Genetics
Classification: Pathogenic for Hereditary cancer-predisposing syndrome. Last evaluated: 2025-07-21. Review status: criteria provided, single submitter. Criteria: Ambry Variant Classification Scheme 2023. Collection method: clinical testing. Allele origin: germline.
Comment: The c.873delT pathogenic mutation, located in coding exon 8 of the PMS2 gene, results from a deletion of one nucleotide at nucleotide position 873, causing a translational frameshift with a predicted alternate stop codon (p.F291Lfs*16). This variant is considered to be rare based on population cohorts in the Genome Aggregation Database (gnomAD). This alteration is expected to result in loss of function by premature protein truncation or nonsense-mediated mRNA decay. As such, this alteration is interpreted as a disease-causing mutation.

Labcorp Genetics (formerly Invitae), Labcorp
Classification: Pathogenic for Hereditary nonpolyposis colorectal neoplasms. Last evaluated: 2024-02-06. Review status: criteria provided, single submitter. Criteria: Invitae Variant Classification Sherloc (09022015). Collection method: clinical testing. Allele origin: germline.
Comment: This sequence change creates a premature translational stop signal (p.Phe291Leufs*16) in the PMS2 gene. It is expected to result in an absent or disrupted protein product. Loss-of-function variants in PMS2 are known to be pathogenic (PMID: 21376568, 24362816). This variant is present in population databases (no rsID available, gnomAD 0.0009%). This variant has not been reported in the literature in individuals affected with PMS2-related conditions. ClinVar contains an entry for this variant (Variation ID: 585225). For these reasons, this variant has been classified as Pathogenic.

Myriad Genetics, Inc.
Classification: Pathogenic for Lynch syndrome 4. Last evaluated: 2023-09-19. Review status: criteria provided, single submitter. Criteria: Myriad Autosomal Dominant, Autosomal Recessive and X-Linked Classification Criteria (2023). Collection method: clinical testing. Allele origin: unknown.
Comment: This variant is considered pathogenic. This variant creates a frameshift predicted to result in premature protein truncation.

Human Genome Sequencing Center Clinical Lab, Baylor College of Medicine
Classification: Likely pathogenic for Lynch syndrome 4. Last evaluated: 2018-02-08. Review status: criteria provided, single submitter. Criteria: ACMG Guidelines, 2015. Collection method: clinical testing. Allele origin: germline.
Comment: The c.873delT (p.Phe291Leufs*16) variant in the PMS2 gene is predicted to result in a premature stop codon and is extremely rare in large databases of genetic variation in the general population. Therefore, the c.873delT (p.Phe291Leufs*16) variant in the PMS2 gene is classified as likely pathogenic.

Literature cited by the submitters: PubMed 21376568 (cited by Labcorp Genetics (formerly Invitae), Labcorp); PubMed 24362816 (cited by Labcorp Genetics (formerly Invitae), Labcorp).

NM_000535.7(PMS2):c.873del (p.Phe291fs)

Gene: PMS2 (PMS1 homolog 2, mismatch repair system component; minus strand). Cytogenetic location: 7p22.1.
Variant type: Deletion.
Coding change: c.873del on transcript NM_000535.7 (MANE Select); coding-DNA position 873, one base deleted (T; older notation c.873delT).
Protein change: p.Phe291fs; shifts the reading frame from phenylalanine 291.
Molecular consequence: frameshift variant. On other transcripts: 5 prime UTR variant (2), non-coding transcript variant (1).
Genome position (GRCh38, 1-based): chr7:5,995,564, A deleted on the plus strand (T on the coding strand, the reverse complement: PMS2 is on the minus strand); the first of 3 consecutive A bases (chr7:5,995,564-5,995,566); deleting any one gives the same sequence. VCF-style (leftmost placement, unchanged base first): chr7-5995563-TA-T. GRCh37 (hg19) VCF-style: chr7-6035194-TA-T.
Other names: p.Phe291Leufs*16; c.873del (NM_000535.5); c.468del, p.Phe156fs (NM_001322003.2, NM_001322004.2, NM_001322005.2 and 2 more transcripts); c.873del, p.Phe291fs (NM_001322006.2, NM_001322014.2); c.555del, p.Phe185fs (NM_001322007.2, NM_001322008.2); c.-61del (NM_001322011.2, NM_001322012.2); c.300del, p.Phe100fs (NM_001322013.2); c.564del, p.Phe188fs (NM_001322015.2); and 1 more; short protein forms F185fs, F188fs, F100fs, F156fs, F291fs.
Identifiers: ClinVar variation 585225 (VCV000585225.15), dbSNP rs1261282733, ClinGen allele CA572547828.